The following is an entry in ClinVar:

NM_025265.4(TSEN2):c.377G>A (p.Arg126His)

Gene: TSEN2 (tRNA splicing endonuclease subunit 2; plus strand). Cytogenetic location: 3p25.2.
Variant type: single nucleotide variant.
Coding change: c.377G>A on transcript NM_025265.4 (MANE Select); coding-DNA position 377, G replaced by A.
Protein change: p.Arg126His; replaces arginine 126 with histidine.
Molecular consequence: missense variant. On other transcripts: non-coding transcript variant (1).
Genome position (GRCh38, 1-based): chr3:12,503,330, G>A. VCF-style: chr3-12503330-G-A. GRCh37 (hg19) VCF-style: chr3-12544829-G-A.
Other names: p.R126H:CGC>CAC; c.377G>A, p.Arg126His (NM_001145392.2, NM_001145393.3, NM_001145394.2 and 3 more transcripts); short protein forms R126H.
Identifiers: ClinVar variation 96175 (VCV000096175.23), dbSNP rs33955793, ClinGen allele CA149318.

ClinVar aggregate classification (germline): Benign. Review status: criteria provided, multiple submitters, no conflicts (2 of 4 stars). 8 submissions from 8 submitters: Benign (8). Last evaluated 2026-02-04.

Conditions:
Pontoneocerebellar hypoplasia. Also called: Pontocerebellar hypoplasia; Non-syndromic pontocerebellar hypoplasia. Identifiers: Orphanet 98523, MedGen C1261175, MONDO:0020135.

Allele frequency attached by ClinVar (database versions not stated): 1000 Genomes Project 30x 0.06309; ESP Exome Variant Server 0.06435; 1000 Genomes Project 0.05871; gnomAD 0.07115; TOPMed 0.08091.

Submissions (8):

Labcorp Genetics (formerly Invitae), Labcorp
Classification: Benign. Last evaluated: 2026-02-04. Review status: criteria provided, single submitter. Criteria: Invitae Variant Classification Sherloc (09022015). Collection method: clinical testing. Allele origin: germline.

Blueprint Genetics
Classification: Benign. Last evaluated: 2024-11-26. Review status: criteria provided, single submitter. Criteria: ACMG Guidelines, 2015. Collection method: clinical testing. Allele origin: germline.

Illumina Laboratory Services, Illumina
Classification: Benign for Pontoneocerebellar hypoplasia. Last evaluated: 2018-01-13. Review status: criteria provided, single submitter. Criteria: ICSL Variant Classification Criteria 13 December 2019. Collection method: clinical testing. Allele origin: germline.
Comment: This variant was observed in the ICSL laboratory as part of a predisposition screen in an ostensibly healthy population. It had not been previously curated by ICSL or reported in the Human Gene Mutation Database (HGMD: prior to June 1st, 2018), and was therefore a candidate for classification through an automated scoring system. Utilizing variant allele frequency, disease prevalence and penetrance estimates, and inheritance mode, an automated score was calculated to assess if this variant is too frequent to cause the disease. Based on the score and internal cut-off values, a variant classified as benign is not then subjected to further curation. The score for this variant resulted in a classification of benign for this disease.

GeneDx
Classification: Benign. Last evaluated: 2013-10-30. Review status: criteria provided, single submitter. Criteria: GeneDx Variant Classification (06012015). Collection method: clinical testing. Allele origin: germline. Affected: yes.
Comment: This variant is considered likely benign or benign based on one or more of the following criteria: it is a conservative change, it occurs at a poorly conserved position in the protein, it is predicted to be benign by multiple in silico algorithms, and/or has population frequency not consistent with disease.

Eurofins Ntd Llc (ga)
Classification: Benign. Last evaluated: 2013-08-09. Review status: criteria provided, single submitter. Criteria: EGL Classification Definitions 2015. Collection method: clinical testing. Allele origin: germline. Observed: 1 variant allele, 1 heterozygote.

Genetic Services Laboratory, University of Chicago
Classification: Benign. Last evaluated: 2013-02-08. Review status: criteria provided, single submitter. Criteria: ACMG Guidelines, 2007. Collection method: clinical testing. Allele origin: germline. Inheritance: Autosomal recessive inheritance.

Breakthrough Genomics
Classification: Benign. Review status: criteria provided, single submitter. Criteria: ACMG Guidelines, 2015. Collection method: not provided. Allele origin: germline. Inheritance: Autosomal recessive inheritance. Affected: yes.

PreventionGenetics, part of Exact Sciences
Classification: Benign. Review status: criteria provided, single submitter. Criteria: ACMG Guidelines, 2015. Collection method: clinical testing. Allele origin: germline.